The following is an entry in ClinVar:

ClinVar aggregate classification (germline): Uncertain significance (1 of 4 stars; one submission).

Conditions:
Very long chain acyl-CoA dehydrogenase deficiency (ACADVLD). Also called: VLCAD Deficiency; Very Long-Chain Acyl-Coenzyme A Dehydrogenase Deficiency. Identifiers: Orphanet 26793, MedGen C3887523, MONDO:0008723, OMIM 201475.

Submission:

Labcorp Genetics (formerly Invitae), Labcorp
Classification: Uncertain significance for Very long chain acyl-CoA dehydrogenase deficiency. Last evaluated: 2022-06-03. Review status: criteria provided, single submitter. Criteria: Invitae Variant Classification Sherloc (09022015). Collection method: clinical testing. Allele origin: germline.
Comment: This variant has not been reported in the literature in individuals affected with ACADVL-related conditions. This variant is not present in population databases (gnomAD no frequency). This sequence change replaces alanine, which is neutral and non-polar, with valine, which is neutral and non-polar, at codon 48 of the ACADVL protein (p.Ala48Val). ClinVar contains an entry for this variant (Variation ID: 1412895). In summary, the available evidence is currently insufficient to determine the role of this variant in disease. Therefore, it has been classified as a Variant of Uncertain Significance. Algorithms developed to predict the effect of missense changes on protein structure and function output the following: SIFT: "Tolerated"; PolyPhen-2: "Benign"; Align-GVGD: "Class C0". The valine amino acid residue is found in multiple mammalian species, which suggests that this missense change does not adversely affect protein function.

NM_000018.4(ACADVL):c.143C>T (p.Ala48Val)

Gene: ACADVL (acyl-CoA dehydrogenase very long chain; plus strand). Cytogenetic location: 17p13.1.
Variant type: single nucleotide variant.
Coding change: c.143C>T on transcript NM_000018.4 (MANE Select); coding-DNA position 143, C replaced by T.
Protein change: p.Ala48Val; replaces alanine 48 with valine.
Molecular consequence: missense variant. On other transcripts: 5 prime UTR variant (1), intron variant (1).
Genome position (GRCh38, 1-based): chr17:7,220,468, C>T. VCF-style: chr17-7220468-C-T. GRCh37 (hg19) VCF-style: chr17-7123787-C-T.
Other names: c.212C>T, p.Ala71Val (NM_001270447.2); c.-86C>T (NM_001270448.2); c.139-136C>T (NM_001033859.3); short protein forms A48V, A71V.
Identifiers: ClinVar variation 1412895 (VCV001412895.4), dbSNP rs2142963990, ClinGen allele CA397722180.